The following is an entry in ClinVar:

NM_001358530.2(MOCS1):c.1817A>G (p.Asp606Gly)

Gene: MOCS1 (molybdenum cofactor synthesis 1; minus strand). Cytogenetic location: 6p21.2.
Variant type: single nucleotide variant.
Coding change: c.1817A>G on transcript NM_001358530.2 (MANE Select); coding-DNA position 1817, A replaced by G.
Protein change: p.Asp606Gly; replaces aspartic acid 606 with glycine.
Molecular consequence: missense variant. On other transcripts: 3 prime UTR variant (4), non-coding transcript variant (1).
Genome position (GRCh38, 1-based): chr6:39,906,451, T>C on the plus strand (A>G on the coding strand, the complement: MOCS1 is on the minus strand). VCF-style: chr6-39906451-T-C. GRCh37 (hg19) VCF-style: chr6-39874227-T-C.
Other names: c.*674A>G (NM_001075098.4, NM_001358533.2, NM_001358534.2 and 1 more transcripts); c.1769A>G, p.Asp590Gly (NM_001358529.2); c.1556A>G, p.Asp519Gly (NM_001358531.2); short protein forms D519G, D590G, D606G.
Identifiers: ClinVar variation 2052184 (VCV002052184.1), dbSNP rs2482250314, ClinGen allele CA364038827.

ClinVar aggregate classification (germline): Uncertain significance (1 of 4 stars; one submission).

Conditions:
Sulfite oxidase deficiency due to molybdenum cofactor deficiency type A. Also called: Molybdenum cofactor deficiency, complementation group A; Molybdenum Cofactor Deficiency A. Identifiers: Orphanet 308386, Orphanet 833, MedGen C1854988, MONDO:0009643, OMIM 252150.

Submission:

Labcorp Genetics (formerly Invitae), Labcorp
Classification: Uncertain significance for Sulfite oxidase deficiency due to molybdenum cofactor deficiency type A. Last evaluated: 2021-12-21. Review status: criteria provided, single submitter. Criteria: Invitae Variant Classification Sherloc (09022015). Collection method: clinical testing. Allele origin: germline.
Comment: This sequence change replaces aspartic acid, which is acidic and polar, with glycine, which is neutral and non-polar, at codon 606 of the MOCS1 protein (p.Asp606Gly). This variant is not present in population databases (gnomAD no frequency). This variant has not been reported in the literature in individuals affected with MOCS1-related conditions. Algorithms developed to predict the effect of missense changes on protein structure and function are either unavailable or do not agree on the potential impact of this missense change (SIFT: "Not Available"; PolyPhen-2: "Probably Damaging"; Align-GVGD: "Not Available"). In summary, the available evidence is currently insufficient to determine the role of this variant in disease. Therefore, it has been classified as a Variant of Uncertain Significance.